The following is an entry in ClinVar:

ClinVar aggregate classification (germline): Uncertain significance (1 of 4 stars; one submission).

Submission:

GeneDx
Classification: Uncertain significance. Last evaluated: 2023-10-26. Review status: criteria provided, single submitter. Criteria: GeneDx Variant Classification Process June 2021. Collection method: clinical testing. Allele origin: germline. Affected: yes.
Comment: Has not been previously published as pathogenic or benign to our knowledge; Not observed at significant frequency in large population cohorts (gnomAD); In silico analysis supports that this missense variant has a deleterious effect on protein structure/function; This variant is associated with the following publications: (PMID: 27532257, 29300372)

NM_000257.4(MYH7):c.2152T>G (p.Phe718Val)

Gene: MYH7 (myosin heavy chain 7; minus strand). Cytogenetic location: 14q11.2.
Variant type: single nucleotide variant.
Coding change: c.2152T>G on transcript NM_000257.4 (MANE Select); coding-DNA position 2152, T replaced by G.
Protein change: p.Phe718Val; replaces phenylalanine 718 with valine.
Molecular consequence: missense variant.
Genome position (GRCh38, 1-based): chr14:23,425,974, A>C on the plus strand (T>G on the coding strand, the complement: MYH7 is on the minus strand). VCF-style: chr14-23425974-A-C. GRCh37 (hg19) VCF-style: chr14-23895183-A-C.
Other names: c.2152T>G, p.Phe718Val (NM_001407004.1); short protein forms F718V.
Identifiers: ClinVar variation 3363522 (VCV003363522.1).
Genomic context (GRCh38, chr14:23,425,974, plus strand): 5'-GCAGCCTGGCTCCCCCTGTTCTATGAGCTCTGGTGCACCCTCATACCCACCTCTGCCGGA[A>C]GTCCCCGTAGAGGATGCGGTTGGGGAAGCCTTTCCTGCAGATGCGGATGCCCTCCAGCAC-3'
Protein context (NP_000248.2, residues 708-728): GFPNRILYGD[Phe718Val]RQRYRILNPA